The following is an entry in ClinVar:

ClinVar aggregate classification (germline): Uncertain significance. Review status: criteria provided, multiple submitters, no conflicts (2 of 4 stars). 2 submissions from 2 submitters: Uncertain significance (2). Last evaluated 2025-07-30.

Conditions:
Gorlin syndrome. Also called: Nevoid Basal Cell Carcinoma Syndrome; Basal cell nevus syndrome. Identifiers: Orphanet 377, MedGen C0004779, MONDO:0007187.

Allele frequency attached by ClinVar (database versions not stated): gnomAD exomes below 0.00001; TOPMed below 0.00001; gnomAD 0.00001.
gnomAD v4.1: 3 of 1,613,884 alleles (0.00019%); highest among the groups gnomAD compares: Non-Finnish European, 0.00025%; no homozygotes.

Submissions (2):

Labcorp Genetics (formerly Invitae), Labcorp
Classification: Uncertain significance for Gorlin syndrome. Last evaluated: 2025-07-30. Review status: criteria provided, single submitter. Criteria: Invitae Variant Classification Sherloc (09022015). Collection method: clinical testing. Allele origin: germline.
Comment: This sequence change replaces threonine, which is neutral and polar, with serine, which is neutral and polar, at codon 827 of the PTCH2 protein (p.Thr827Ser). This variant is not present in population databases (gnomAD no frequency). This variant has not been reported in the literature in individuals affected with PTCH2-related conditions. ClinVar contains an entry for this variant (Variation ID: 2397807). Invitae Evidence Modeling of protein sequence and biophysical properties (such as structural, functional, and spatial information, amino acid conservation, physicochemical variation, residue mobility, and thermodynamic stability) has been performed for this missense variant. However, the output from this modeling did not meet the statistical confidence thresholds required to predict the impact of this variant on PTCH2 protein function. In summary, the available evidence is currently insufficient to determine the role of this variant in disease. Therefore, it has been classified as a Variant of Uncertain Significance.

Ambry Genetics
Classification: Uncertain significance. Last evaluated: 2024-05-10. Review status: criteria provided, single submitter. Criteria: Ambry Variant Classification Scheme 2023. Collection method: clinical testing. Allele origin: germline.

NM_003738.5(PTCH2):c.2479A>T (p.Thr827Ser)

Gene: PTCH2 (patched 2; minus strand). Cytogenetic location: 1p34.1.
Variant type: single nucleotide variant.
Coding change: c.2479A>T on transcript NM_003738.5 (MANE Select); coding-DNA position 2479, A replaced by T.
Protein change: p.Thr827Ser; replaces threonine 827 with serine.
Molecular consequence: missense variant.
Genome position (GRCh38, 1-based): chr1:44,827,202, T>A on the plus strand (A>T on the coding strand, the complement: PTCH2 is on the minus strand). VCF-style: chr1-44827202-T-A. GRCh37 (hg19) VCF-style: chr1-45292874-T-A.
Other names: c.2479A>T, p.Thr827Ser (NM_001166292.2); short protein forms T827S.
Identifiers: ClinVar variation 2397807 (VCV002397807.6), dbSNP rs1557643844, ClinGen allele CA340095087.